The following is an entry in ClinVar:

ClinVar aggregate classification (germline): Uncertain significance (1 of 4 stars; one submission).

Allele frequency attached by ClinVar (database versions not stated): TOPMed below 0.00001; ExAC 0.00002; gnomAD exomes 0.00002; ESP Exome Variant Server 0.00008.
gnomAD v4.1: 31 of 1,612,286 alleles (0.0019%); highest among the groups gnomAD compares: Non-Finnish European, 0.0025%; no homozygotes.

Submission:

Labcorp Genetics (formerly Invitae), Labcorp
Classification: Uncertain significance. Last evaluated: 2022-02-12. Review status: criteria provided, single submitter. Criteria: Invitae Variant Classification Sherloc (09022015). Collection method: clinical testing. Allele origin: germline.
Comment: In summary, the available evidence is currently insufficient to determine the role of this variant in disease. Therefore, it has been classified as a Variant of Uncertain Significance. This variant has not been reported in the literature in individuals affected with MRPL3-related conditions. This variant is present in population databases (rs374963628, gnomAD 0.003%). This sequence change creates a premature translational stop signal (p.Gln72*) in the MRPL3 gene. It is expected to result in an absent or disrupted protein product. However, the current clinical and genetic evidence is not sufficient to establish whether loss-of-function variants in MRPL3 cause disease.

NM_007208.4(MRPL3):c.214C>T (p.Gln72Ter)

Gene: MRPL3 (mitochondrial ribosomal protein L3; minus strand). Cytogenetic location: 3q22.1.
Variant type: single nucleotide variant.
Coding change: c.214C>T on transcript NM_007208.4 (MANE Select); coding-DNA position 214, C replaced by T.
Protein change: p.Gln72Ter; replaces glutamine 72 with a stop codon.
Molecular consequence: nonsense.
Genome position (GRCh38, 1-based): chr3:131,501,594, G>A on the plus strand (C>T on the coding strand, the complement: MRPL3 is on the minus strand). VCF-style: chr3-131501594-G-A. GRCh37 (hg19) VCF-style: chr3-131220438-G-A.
Other names: short protein forms Q72*.
Identifiers: ClinVar variation 1948097 (VCV001948097.5), dbSNP rs374963628, ClinGen allele CA2617208.
Genomic context (GRCh38, chr3:131,501,594, plus strand): 5'-GTTCCCAAGGATGTATAGGCCATGGTTCATCTTTCAGAGGACACAGTTTACTTGCTAATT[G>A]GGCTTTATCTTCATCAGAGACCAACTGCTTAATGAATGGGACATTTTCTTCAGAAAGATG-3'